The following is an entry in ClinVar:

NM_001101362.3(KBTBD13):c.374C>G (p.Ala125Gly)

Gene: KBTBD13 (kelch repeat and BTB domain containing 13; plus strand). Cytogenetic location: 15q22.31.
Variant type: single nucleotide variant.
Coding change: c.374C>G on transcript NM_001101362.3 (MANE Select); coding-DNA position 374, C replaced by G.
Protein change: p.Ala125Gly; replaces alanine 125 with glycine.
Molecular consequence: missense variant.
Genome position (GRCh38, 1-based): chr15:65,077,189, C>G. VCF-style: chr15-65077189-C-G. GRCh37 (hg19) VCF-style: chr15-65369527-C-G.
Other names: short protein forms A125G.
Identifiers: ClinVar variation 533000 (VCV000533000.9), dbSNP rs575149903, ClinGen allele CA271503491.

ClinVar aggregate classification (germline): Uncertain significance (1 of 4 stars; one submission).

Conditions:
Nemaline myopathy 6 (NEM6). Also called: Nemaline myopathy 6, autosomal dominant. Identifiers: Orphanet 171439, MedGen C1836472, MONDO:0012237, OMIM 609273.

Allele frequency attached by ClinVar (database versions not stated): gnomAD 0.00001; 1000 Genomes Project 30x 0.00016; 1000 Genomes Project 0.00020.
gnomAD v4.1: 2 of 1,480,436 alleles (0.00014%); highest among the groups gnomAD compares: South Asian, 0.0026%; no homozygotes.

Submission:

Labcorp Genetics (formerly Invitae), Labcorp
Classification: Uncertain significance for Nemaline myopathy 6. Last evaluated: 2020-10-10. Review status: criteria provided, single submitter. Criteria: Invitae Variant Classification Sherloc (09022015). Collection method: clinical testing. Allele origin: germline.
Comment: In summary, the available evidence is currently insufficient to determine the role of this variant in disease. Therefore, it has been classified as a Variant of Uncertain Significance. Algorithms developed to predict the effect of missense changes on protein structure and function do not agree on the potential impact of this missense change (SIFT: "Deleterious"; PolyPhen-2: "Probably Damaging"; Align-GVGD: "Class C0"). This variant has not been reported in the literature in individuals with KBTBD13-related disease. While this variant is not present in population databases, the frequency information is unreliable, as metrics indicate poor data quality at this position in the ExAC database. This sequence change replaces alanine with glycine at codon 125 of the KBTBD13 protein (p.Ala125Gly). The alanine residue is highly conserved and there is a small physicochemical difference between alanine and glycine.